The following is an entry in ClinVar:

ClinVar aggregate classification (germline): Likely benign (1 of 4 stars; one submission).

Conditions:
SLC10A1-related disorder. Also called: SLC10A1-related condition.

gnomAD v4.1: 15 of 1,614,034 alleles (0.00093%); highest among the groups gnomAD compares: African/African-American, 0.0027%; no homozygotes.

Submission:

PreventionGenetics, part of Exact Sciences
Classification: Likely benign for SLC10A1-related condition. Last evaluated: 2024-11-14. Review status: criteria provided, single submitter. Criteria: ACMG Guidelines, 2015. Collection method: clinical testing. Allele origin: germline.
Comment: This variant is classified as likely benign based on ACMG/AMP sequence variant interpretation guidelines (Richards et al. 2015 PMID: 25741868, with internal and published modifications).

NM_003049.4(SLC10A1):c.477C>T (p.Ile159=)

Gene: SLC10A1 (solute carrier family 10 member 1; minus strand). Cytogenetic location: 14q24.1.
Variant type: single nucleotide variant.
Coding change: c.477C>T on transcript NM_003049.4 (MANE Select); coding-DNA position 477, C replaced by T.
Protein change: p.Ile159=; no amino-acid change (isoleucine 159 retained).
Molecular consequence: synonymous variant.
Genome position (GRCh38, 1-based): chr14:69,786,187, G>A on the plus strand (C>T on the coding strand, the complement: SLC10A1 is on the minus strand). VCF-style: chr14-69786187-G-A. GRCh37 (hg19) VCF-style: chr14-70252904-G-A.
Identifiers: ClinVar variation 4981092 (VCV004981092.1).